The following is an entry in ClinVar:

NM_000264.5(PTCH1):c.52_54dup (p.Ser18_Gly19insSer)

Genes: PTCH1 (patched 1; minus strand), LOC130002133 (ATAC-STARR-seq lymphoblastoid silent region 20071; plus strand). Cytogenetic location: 9q22.32.
Variant type: Duplication.
Coding change: c.52_54dup on transcript NM_000264.5 (MANE Select); coding-DNA positions 52 to 54, 3 bases duplicated (AGC; older notation c.52_54dupAGC).
Protein change: p.Ser18_Gly19insSer.
Molecular consequence: inframe insertion. On other transcripts: non-coding transcript variant (1), intron variant (3), inframe indel (1).
Genome position (GRCh38, 1-based): chr9:95,508,308-95,508,310, GCT duplicated on the plus strand (AGC on the coding strand, the reverse complement: PTCH1 is on the minus strand); duplicating any 3 consecutive bases within chr9:95,508,308-95,508,312 gives the same sequence; the c. name uses the placement nearest the transcript's 3' end. VCF-style (leftmost placement, unchanged base first): chr9-95508307-C-CGCT. GRCh37 (hg19) VCF-style: chr9-98270589-C-CGCT.
Other names: c.52_54dup, p.Ser18_Gly19insSer (NM_001354918.2); c.199-1711_199-1709dup (NM_001083603.3); c.4-1711_4-1709dup (NM_001083602.3, NM_001354919.2); c.52_54dupAGC (NM_000264.3).
Identifiers: ClinVar variation 4862639 (VCV004862639.1).
Genomic context (GRCh38, chr9:95,508,307, plus strand): 5'-GCCCCCCCGTCCGTCTGCGCCTCCCGCCTCCAGCCGGCCGTCCCGGGGCACCGATACAGC[C>CGCT]GCTGCCGCCGCCGCCGCGGTCCTGGGGCTCGGCGGCGTTACCAGCCGAGGCCATGTTGCC-3'

ClinVar aggregate classification (germline): Uncertain significance (1 of 4 stars; one submission).

Conditions:
Hereditary cancer-predisposing syndrome. Also called: Neoplastic Syndromes, Hereditary; Tumor predisposition; Hereditary Cancer Syndrome; Hereditary neoplastic syndrome. Identifiers: Orphanet 140162, MedGen C0027672, MeSH D009386, MONDO:0015356.

Submission:

Ambry Genetics
Classification: Uncertain significance for Hereditary cancer-predisposing syndrome. Last evaluated: 2026-03-22. Review status: criteria provided, single submitter. Criteria: Ambry Variant Classification Scheme 2023. Collection method: clinical testing. Allele origin: germline.
Comment: The c.52_54dupAGC variant (also known as p.S18dup), located in coding exon 1 of the PTCH1 gene, results from an in-frame duplication of AGC at nucleotide positions 52 to 54. This results in the duplication of an extra residue between codons 18 and 19. This amino acid position is not well conserved in available vertebrate species. In addition, this variant is predicted to be neutral by in silico analysis (Choi Y et al. PLoS ONE. 2012; 7(10):e46688). Based on the available evidence, the clinical significance of this variant remains unclear.